The following is an entry in ClinVar:

NM_007078.3(LDB3):c.76C>T (p.Pro26Ser)

Gene: LDB3 (LIM domain binding 3; plus strand). Cytogenetic location: 10q23.2.
Variant type: single nucleotide variant.
Coding change: c.76C>T on transcript NM_007078.3 (MANE Select); coding-DNA position 76, C replaced by T.
Protein change: p.Pro26Ser; replaces proline 26 with serine.
Molecular consequence: missense variant.
Genome position (GRCh38, 1-based): chr10:86,668,767, C>T. VCF-style: chr10-86668767-C-T. GRCh37 (hg19) VCF-style: chr10-88428524-C-T.
Other names: NM_007078.3(LDB3):c.76C>T; p.Pro26Ser; c.76C>T, p.Pro26Ser (NM_001080114.2, NM_001080115.2, NM_001080116.1 and 8 more transcripts); short protein forms P26S.
Identifiers: ClinVar variation 1305257 (VCV001305257.7), dbSNP rs778865072, ClinGen allele CA5584572.
Genomic context (GRCh38, chr10:86,668,767, plus strand): 5'-ACCCTGACTGGGCCCGGGCCCTGGGGCTTCCGTCTGCAGGGGGGCAAGGACTTCAACATG[C>T]CCCTCACTATCTCCCGGGTGAGTGCACCCTGCCACAGCCTGGCACCCGATGGGGCAGGCA-3'
Protein context (NP_009009.1, residues 16-36): RLQGGKDFNM[Pro26Ser]LTISRITPGS

ClinVar aggregate classification (germline): Conflicting classifications of pathogenicity. Review status: criteria provided, conflicting classifications (1 of 4 stars). 4 submissions from 4 submitters: Likely pathogenic (1); Uncertain significance (3). Last evaluated 2023-01-25.

Conditions:
LDB3-related disorder. Also called: LDB3-related condition.
Myofibrillar myopathy 4. Also called: Zaspopathy (type). Identifiers: Orphanet 98912, MedGen C4721886, MONDO:0012277, OMIM 609452.

Allele frequency attached by ClinVar (database versions not stated): gnomAD exomes below 0.00001; ExAC 0.00001.

Submissions (4):

Broad Center for Mendelian Genomics, Broad Institute of MIT and Harvard
Classification: Uncertain significance for Myofibrillar myopathy 4. Last evaluated: 2023-01-25. Review status: criteria provided, single submitter. Criteria: ACMG Guidelines, 2015. Collection method: curation. Allele origin: germline. Inheritance: Autosomal dominant inheritance.
Comment: The p.Pro26Ser variant in LDB3 has been previously reported in two siblings with myopathy (PMID: 33308939) but has been identified in 0.003% (1/30616) of South Asian chromosomes by the Genome Aggregation Database (gnomAD; dbSNP ID: rs778865072). Although this variant has been seen in the general population in a heterozygous state, its frequency is not high enough to rule out a pathogenic role. This variant has also been reported in ClinVar (Variation ID:1305257) and has been interpreted as a variant of uncertain significance by GeneDx. The p.Pro26Ser variant is located in a region of LDB3 that is essential to myofibrillar integrity, suggesting that this variant is in a functional domain and slightly supports pathogenicity ((PMID: 10427098, 15062084). Computational prediction tools and conservation analyses do not provide strong support for or against an impact to the protein. In summary, the clinical significance of the p.Pro26Ser variant is uncertain. ACMG/AMP Criteria applied: PM1_Supporting (Richards 2015).

Labcorp Genetics (formerly Invitae), Labcorp
Classification: Uncertain significance for Myofibrillar myopathy 4. Last evaluated: 2022-10-19. Review status: criteria provided, single submitter. Criteria: Invitae Variant Classification Sherloc (09022015). Collection method: clinical testing. Allele origin: germline.
Comment: In summary, the available evidence is currently insufficient to determine the role of this variant in disease. Therefore, it has been classified as a Variant of Uncertain Significance. Algorithms developed to predict the effect of missense changes on protein structure and function are either unavailable or do not agree on the potential impact of this missense change (SIFT: "Tolerated"; PolyPhen-2: "Possibly Damaging"; Align-GVGD: "Class C0"). ClinVar contains an entry for this variant (Variation ID: 1305257). This missense change has been observed in individual(s) with myofibrillar myopathy (PMID: 33308939). This variant is present in population databases (rs778865072, gnomAD 0.003%). This sequence change replaces proline, which is neutral and non-polar, with serine, which is neutral and polar, at codon 26 of the LDB3 protein (p.Pro26Ser).

Blueprint Genetics
Classification: Likely pathogenic for LDB3-related disorders. Last evaluated: 2021-06-28. Review status: criteria provided, single submitter. Criteria: ACMG Guidelines, 2015. Collection method: clinical testing. Allele origin: germline. Affected: yes. Observed: 1 variant allele.

GeneDx
Classification: Uncertain significance. Last evaluated: 2019-04-19. Review status: criteria provided, single submitter. Criteria: GeneDx Variant Classification Process June 2021. Collection method: clinical testing. Allele origin: germline. Affected: yes.
Comment: Not observed at a significant frequency in large population cohorts (Lek et al., 2016); In silico analysis, which includes protein predictors and evolutionary conservation, supports a deleterious effect; Has not been previously published as pathogenic or benign to our knowledge

Literature cited by the submitters: PubMed 33308939 (cited by Labcorp Genetics (formerly Invitae), Labcorp).